The following is an entry in ClinVar:

NM_012120.3(CD2AP):c.1743T>A (p.Asn581Lys)

Gene: CD2AP (CD2 associated protein; plus strand). Cytogenetic location: 6p12.3.
Variant type: single nucleotide variant.
Coding change: c.1743T>A on transcript NM_012120.3 (MANE Select); coding-DNA position 1743, T replaced by A.
Protein change: p.Asn581Lys; replaces asparagine 581 with lysine.
Molecular consequence: missense variant.
Genome position (GRCh38, 1-based): chr6:47,609,233, T>A. VCF-style: chr6-47609233-T-A. GRCh37 (hg19) VCF-style: chr6-47576969-T-A.
Other names: short protein forms N581K.
Identifiers: ClinVar variation 260187 (VCV000260187.21), dbSNP rs34069459, ClinGen allele CA3844443.

ClinVar aggregate classification (germline): Benign/Likely benign. Review status: criteria provided, multiple submitters, no conflicts (2 of 4 stars). 6 submissions from 6 submitters: Benign (3); Likely benign (3). Last evaluated 2026-01-25.

Conditions:
Kidney disorder. Also called: renal disease; Nephropathy; Kidney disease; Kidney Diseases; renal disorder. Identifiers: MedGen C0022658, MONDO:0005240, HP:0000112.

Allele frequency attached by ClinVar (database versions not stated): gnomAD exomes 0.00099 and 0.00289; ExAC 0.00345; gnomAD 0.01090 and 0.01173; TOPMed 0.01240; ESP Exome Variant Server 0.01246; 1000 Genomes Project 0.01338; 1000 Genomes Project 30x 0.01437.
gnomAD v4.1: 3,174 of 1,613,206 alleles (0.2%); highest among the groups gnomAD compares: African/African-American, 3.7%; 53 homozygotes.

Submissions (6):

Labcorp Genetics (formerly Invitae), Labcorp
Classification: Benign. Last evaluated: 2026-01-25. Review status: criteria provided, single submitter. Criteria: Invitae Variant Classification Sherloc (09022015). Collection method: clinical testing. Allele origin: germline.

GeneDx
Classification: Likely benign. Last evaluated: 2025-05-15. Review status: criteria provided, single submitter. Criteria: GeneDx Variant Classification Process June 2021. Collection method: clinical testing. Allele origin: germline. Affected: yes.
Comment: See Variant Classification Assertion Criteria.

Mayo Clinic Laboratories, Mayo Clinic
Classification: Benign. Last evaluated: 2023-06-20. Review status: criteria provided, single submitter. Criteria: ACMG Guidelines, 2015. Collection method: clinical testing. Allele origin: germline. Observed: 5 variant alleles.
Comment: BS1, BS2, BP4

Genome Diagnostics Laboratory, The Hospital for Sick Children
Classification: Likely benign for Kidney disorder. Last evaluated: 2020-07-01. Review status: criteria provided, single submitter. Criteria: ACMG Guidelines, 2015. Collection method: clinical testing. Allele origin: germline.

Breakthrough Genomics
Classification: Likely benign. Review status: criteria provided, single submitter. Criteria: ACMG Guidelines, 2015. Collection method: not provided. Allele origin: germline. Inheritance: Unknown mechanism. Affected: yes.

PreventionGenetics, part of Exact Sciences
Classification: Benign. Review status: criteria provided, single submitter. Criteria: ACMG Guidelines, 2015. Collection method: clinical testing. Allele origin: germline.